The following is an entry in ClinVar:

NM_000506.5(F2):c.1117G>A (p.Gly373Ser)

Gene: F2 (coagulation factor II, thrombin; plus strand). Cytogenetic location: 11p11.2.
Variant type: single nucleotide variant.
Coding change: c.1117G>A on transcript NM_000506.5 (MANE Select); coding-DNA position 1117, G replaced by A.
Protein change: p.Gly373Ser; replaces glycine 373 with serine.
Molecular consequence: missense variant.
Genome position (GRCh38, 1-based): chr11:46,726,824, G>A. VCF-style: chr11-46726824-G-A. GRCh37 (hg19) VCF-style: chr11-46748374-G-A.
Other names: short protein forms G373S.
Identifiers: ClinVar variation 4819539 (VCV004819539.1).

ClinVar aggregate classification (germline): Uncertain significance (1 of 4 stars; one submission).

Conditions:
Abnormal bleeding. Also called: Bleeding diathesis. Identifiers: MedGen C1458140, HP:0001892.

gnomAD v4.1: 1 of 1,614,064 alleles (0.000062%); highest among the groups gnomAD compares: Non-Finnish European, 0.000085%; no homozygotes.

Submission:

Clinical Genetics Laboratory, Skane University Hospital Lund
Classification: Uncertain significance for Abnormal bleeding. Last evaluated: 2026-04-08. Review status: criteria provided, single submitter. Criteria: ACMG Guidelines, 2015. Collection method: clinical testing. Allele origin: germline. Affected: yes.
Comment: Detected in a heterozygous state, no compound variant detected. ACMG criteria applied: PM2, PP3.